The following is an entry in ClinVar:

ClinVar aggregate classification (germline): Likely pathogenic (1 of 4 stars; one submission).

Conditions:
Craniofacial dysmorphism, skeletal anomalies, and impaired intellectual development 1 (CFSMR1). Also called: Cerebrofaciothoracic dysplasia. Identifiers: Orphanet 1394, MedGen C5677021, MONDO:0800436, OMIM 213980.

Allele frequency attached by ClinVar (database versions not stated): gnomAD 0.00001; gnomAD exomes 0.00002; TOPMed 0.00002.

Submission:

Department of Medical Genetics, Diyarbakir Gazi Yasargil Training and Research Hospital
Classification: Likely pathogenic for Craniofacial dysmorphism, skeletal anomalies, and impaired intellectual development 1. Last evaluated: 2022-10-24. Review status: criteria provided, single submitter. Criteria: ACMG Guidelines, 2015. Collection method: clinical testing. Allele origin: biparental. Inheritance: Autosomal recessive inheritance. Affected: yes. Observed: 5 variant alleles, 2 heterozygotes, 3 homozygotes. Clinical features observed: Scoliosis (HP:0002650), Intellectual disability (HP:0001249), Gait disturbance (HP:0001288).
Comment: PP1, PP4, PM2, PP3-Moderate, PM5

NM_019026.6(TMCO1):c.70G>A (p.Gly24Ser)

Gene: TMCO1 (transmembrane and coiled-coil domains 1; minus strand). Cytogenetic location: 1q24.1.
Variant type: single nucleotide variant.
Coding change: c.70G>A on transcript NM_019026.6 (MANE Select); coding-DNA position 70, G replaced by A.
Protein change: p.Gly24Ser; replaces glycine 24 with serine.
Molecular consequence: missense variant. On other transcripts: 5 prime UTR variant (1), intron variant (1).
Genome position (GRCh38, 1-based): chr1:165,768,682, C>T on the plus strand (G>A on the coding strand, the complement: TMCO1 is on the minus strand). VCF-style: chr1-165768682-C-T. GRCh37 (hg19) VCF-style: chr1-165737919-C-T.
Other names: c.-167G>A (NM_001256165.1); c.146+77G>A (NM_001256164.1); short protein forms G24S.
Identifiers: ClinVar variation 1711875 (VCV001711875.3), dbSNP rs929157192, ClinGen allele CA31911725.